The following is an entry in ClinVar:

ClinVar aggregate classification (germline): Uncertain significance (1 of 4 stars; one submission).

Submission:

CeGaT Center for Human Genetics Tuebingen
Classification: Uncertain significance. Last evaluated: 2025-04-01. Review status: criteria provided, single submitter. Criteria: CeGaT Center For Human Genetics Tuebingen Variant Classification Criteria Version 2. Collection method: clinical testing. Allele origin: germline. Affected: yes. Observed: 1 variant allele.
Comment: KIF5C: PM2, PP3

NM_004522.3(KIF5C):c.397-1G>A

Gene: KIF5C (kinesin family member 5C; plus strand). Cytogenetic location: 2q23.1.
Variant type: single nucleotide variant.
Coding change: c.397-1G>A on transcript NM_004522.3 (MANE Select); the canonical splice acceptor site of the intron before coding-DNA position 397, G replaced by A.
Molecular consequence: splice acceptor variant.
Genome position (GRCh38, 1-based): chr2:148,941,609, G>A. VCF-style: chr2-148941609-G-A. GRCh37 (hg19) VCF-style: chr2-149798123-G-A.
Identifiers: ClinVar variation 3898586 (VCV003898586.7).